The following is an entry in ClinVar:

ClinVar aggregate classification (germline): Conflicting classifications of pathogenicity. Review status: criteria provided, conflicting classifications (1 of 4 stars). 5 submissions from 5 submitters: Uncertain significance (1); Benign (1); Likely benign (2). 1 of the submissions does not count toward it. Last evaluated 2025-05-18.

Conditions:
DSPP-related disorder. Also called: DSPP-related condition.
Inborn genetic diseases. Identifiers: MedGen C0950123, MeSH D030342.

Allele frequency attached by ClinVar (database versions not stated): gnomAD exomes 0.00034; ExAC 0.00038; ESP Exome Variant Server 0.00092; 1000 Genomes Project 0.00120; 1000 Genomes Project 30x 0.00125; gnomAD 0.00173 and 0.00190; TOPMed 0.00235.

Submissions (5):

Labcorp Genetics (formerly Invitae), Labcorp
Classification: Benign. Last evaluated: 2025-05-18. Review status: criteria provided, single submitter. Criteria: Invitae Variant Classification Sherloc (09022015). Collection method: clinical testing. Allele origin: germline.

Blueprint Genetics
Classification: Likely benign. Last evaluated: 2024-08-28. Review status: criteria provided, single submitter. Criteria: ACMG Guidelines, 2015. Collection method: clinical testing. Allele origin: germline.

Ambry Genetics
Classification: Uncertain significance for Inborn genetic diseases. Last evaluated: 2023-12-16. Review status: criteria provided, single submitter. Criteria: Ambry Variant Classification Scheme 2023. Collection method: clinical testing. Allele origin: germline.

GeneDx
Classification: Likely benign. Last evaluated: 2020-11-24. Review status: criteria provided, single submitter. Criteria: GeneDx Variant Classification Process June 2021. Collection method: clinical testing. Allele origin: germline. Affected: yes.

PreventionGenetics, part of Exact Sciences
Classification: Likely benign for DSPP-related condition. Last evaluated: 2019-02-18. Review status: no assertion criteria provided. Collection method: clinical testing. Allele origin: germline. Not counted in ClinVar's aggregate classification.
Comment: This variant is classified as likely benign based on ACMG/AMP sequence variant interpretation guidelines (Richards et al. 2015 PMID: 25741868, with internal and published modifications).

NM_014208.3(DSPP):c.988G>A (p.Ala330Thr)

Genes: DMP1-AS1 (DMP1 and DSPP antisense RNA 1; minus strand), DSPP (dentin sialophosphoprotein; plus strand). Cytogenetic location: 4q22.1.
Variant type: single nucleotide variant.
Coding change: c.988G>A on transcript NM_014208.3 (MANE Select); coding-DNA position 988, G replaced by A.
Protein change: p.Ala330Thr; replaces alanine 330 with threonine.
Molecular consequence: missense variant.
Genome position (GRCh38, 1-based): chr4:87,613,174, G>A. VCF-style: chr4-87613174-G-A. GRCh37 (hg19) VCF-style: chr4-88534326-G-A.
Other names: short protein forms A330T.
Identifiers: ClinVar variation 716335 (VCV000716335.15), dbSNP rs201942511, ClinGen allele CA3000992.